The following is an entry in ClinVar:

ClinVar aggregate classification (germline): Benign/Likely benign. Review status: criteria provided, multiple submitters, no conflicts (2 of 4 stars). 7 submissions from 7 submitters: Benign (5); Likely benign (1). 1 of the submissions does not count toward it. Last evaluated 2026-02-01.

Conditions:
Aortic aneurysm, familial thoracic 10 (AAT10). Identifiers: MedGen C4284414, MONDO:0014950, OMIM 617168.
Cardiovascular phenotype. Identifiers: MedGen CN230736.
LOX-related disorder. Also called: LOX-related disorders; LOX-related condition.

Allele frequency attached by ClinVar (database versions not stated): gnomAD 0.00022; TOPMed 0.00061; ESP Exome Variant Server 0.00070; ExAC 0.00075; gnomAD exomes 0.00109.
gnomAD v4.1: 946 of 1,612,544 alleles (0.059%); highest among the groups gnomAD compares: Non-Finnish European, 0.011%; 6 homozygotes.

Submissions (7):

Labcorp Genetics (formerly Invitae), Labcorp
Classification: Benign. Last evaluated: 2026-02-01. Review status: criteria provided, single submitter. Criteria: Invitae Variant Classification Sherloc (09022015). Collection method: clinical testing. Allele origin: germline.

ARUP Laboratories, Molecular Genetics and Genomics, ARUP Laboratories
Classification: Benign for Aortic aneurysm, familial thoracic 10. Last evaluated: 2025-05-29. Review status: criteria provided, single submitter. Criteria: ARUP Molecular Germline Variant Investigation Process 2024. Collection method: clinical testing. Allele origin: germline.

Blueprint Genetics
Classification: Likely benign. Last evaluated: 2024-03-23. Review status: criteria provided, single submitter. Criteria: ACMG Guidelines, 2015. Collection method: clinical testing. Allele origin: germline.

Ambry Genetics
Classification: Benign for Cardiovascular phenotype. Last evaluated: 2019-11-25. Review status: criteria provided, single submitter. Criteria: Ambry Variant Classification Scheme 2023. Collection method: clinical testing. Allele origin: germline.

GeneDx
Classification: Benign. Last evaluated: 2018-11-13. Review status: criteria provided, single submitter. Criteria: GeneDx Variant Classification Process June 2021. Collection method: clinical testing. Allele origin: germline. Affected: yes.

Women's Health and Genetics/Laboratory Corporation of America, LabCorp
Classification: Benign. Last evaluated: 2017-07-17. Review status: criteria provided, single submitter. Criteria: LabCorp Variant Classification Summary - May 2015. Collection method: clinical testing. Allele origin: germline.
Comment: Variant summary: The LOX c.395C>T (p.Ser132Phe) variant involves the alteration of a non-conserved nucleotide. 2/3 in silico tools predict a damaging outcome for this variant (SNPsandGO not captured due to low reliability index). This variant was found in 83/109944 control chromosomes from ExAC, predominantly observed in the European (Non-Finnish) subpopulation at a frequency of 0.001385 (83/59944). This frequency is about 83 times the estimated maximal expected allele frequency of a pathogenic LOX variant (0.0000167), suggesting this is likely a benign polymorphism found primarily in the populations of European (Non-Finnish) origin. In gnomAD database, this variant is found in Ashkenazi Jewish subpopulation with an allele frequency of 0.02245 (224/9978 chromosomes) including three homozygotes. The variant of interest has not been reported in affected individuals in literature. Taken together, this variant is classified as benign.

PreventionGenetics, part of Exact Sciences
Classification: Likely benign for LOX-related condition. Last evaluated: 2019-04-10. Review status: no assertion criteria provided. Collection method: clinical testing. Allele origin: germline. Not counted in ClinVar's aggregate classification.
Comment: This variant is classified as likely benign based on ACMG/AMP sequence variant interpretation guidelines (Richards et al. 2015 PMID: 25741868, with internal and published modifications).

NM_002317.7(LOX):c.395C>T (p.Ser132Phe)

Genes: LOX (lysyl oxidase; minus strand), SRFBP1 (serum response factor binding protein 1; plus strand). Cytogenetic location: 5q23.1.
Variant type: single nucleotide variant.
Coding change: c.395C>T on transcript NM_002317.7 (MANE Select); coding-DNA position 395, C replaced by T.
Protein change: p.Ser132Phe; replaces serine 132 with phenylalanine.
Molecular consequence: missense variant.
Genome position (GRCh38, 1-based): chr5:122,077,591, G>A on the plus strand (C>T on the coding strand, the complement: LOX is on the minus strand). VCF-style: chr5-122077591-G-A. GRCh37 (hg19) VCF-style: chr5-121413286-G-A.
Other names: short protein forms S132F.
Identifiers: ClinVar variation 496151 (VCV000496151.18), dbSNP rs141394149, ClinGen allele CA3384046.
Genomic context (GRCh38, chr5:122,077,591, plus strand): 5'-GGAACTTCTCCCGGCGCTGTCTGGTTCTCCGCGCGCGAGGCGCCAGCTTCGCGGGCTCTA[G>A]ATGTCGAGTAGCCAGCTTGGAACCAGTGACGGGCGGTGGGCCTGGGGCGGCCAGCGGTGA-3'
Protein context (NP_002308.2, residues 122-142): RHWFQAGYST[Ser132Phe]RAREAGASRA